The following is an entry in ClinVar:

NM_000038.6(APC):c.2449G>A (p.Gly817Ser)

Gene: APC (APC regulator of Wnt signaling pathway; plus strand). Cytogenetic location: 5q22.2.
Variant type: single nucleotide variant.
Coding change: c.2449G>A on transcript NM_000038.6 (MANE Select); coding-DNA position 2449, G replaced by A.
Protein change: p.Gly817Ser; replaces glycine 817 with serine.
Molecular consequence: missense variant.
Genome position (GRCh38, 1-based): chr5:112,838,043, G>A. VCF-style: chr5-112838043-G-A. GRCh37 (hg19) VCF-style: chr5-112173740-G-A.
Other names: c.2449G>A, p.Gly817Ser (NM_001127510.3, NM_001354895.2); c.2395G>A, p.Gly799Ser (NM_001127511.3); c.2503G>A, p.Gly835Ser (NM_001354896.2); c.2479G>A, p.Gly827Ser (NM_001354897.2); c.2374G>A, p.Gly792Ser (NM_001354898.2); c.2365G>A, p.Gly789Ser (NM_001354899.2); c.2326G>A, p.Gly776Ser (NM_001354900.2); c.2272G>A, p.Gly758Ser (NM_001354901.2); and 5 more; short protein forms G776S, G789S, G835S, G792S, G799S, G534S, G691S, G817S.
Identifiers: ClinVar variation 821297 (VCV000821297.7), dbSNP rs1169702353, ClinGen allele CA16026710.

ClinVar aggregate classification (germline): Uncertain significance. Review status: criteria provided, multiple submitters, no conflicts (2 of 4 stars). 3 submissions from 3 submitters: Uncertain significance (3). Last evaluated 2025-04-10.

Conditions:
Hereditary cancer-predisposing syndrome. Also called: Neoplastic Syndromes, Hereditary; Tumor predisposition; Hereditary Cancer Syndrome; Hereditary neoplastic syndrome. Identifiers: Orphanet 140162, MedGen C0027672, MeSH D009386, MONDO:0015356.
Familial adenomatous polyposis 1 (FAP1). Also called: FAMILIAL ADENOMATOUS POLYPOSIS 1, ATTENUATED; POLYPOSIS, ADENOMATOUS INTESTINAL. Identifiers: MedGen C2713442, MONDO:0021056, OMIM 175100. Disease mechanism: loss of function.

Allele frequency attached by ClinVar (database versions not stated): gnomAD exomes below 0.00001.
gnomAD v4.1: 1 of 1,614,032 alleles (0.000062%); highest among the groups gnomAD compares: East Asian, 0.0022%; no homozygotes.

Submissions (3):

Labcorp Genetics (formerly Invitae), Labcorp
Classification: Uncertain significance for Familial adenomatous polyposis 1. Last evaluated: 2025-04-10. Review status: criteria provided, single submitter. Criteria: Invitae Variant Classification Sherloc (09022015). Collection method: clinical testing. Allele origin: germline.
Comment: This sequence change replaces glycine, which is neutral and non-polar, with serine, which is neutral and polar, at codon 817 of the APC protein (p.Gly817Ser). This variant is not present in population databases (gnomAD no frequency). This variant has not been reported in the literature in individuals affected with APC-related conditions. ClinVar contains an entry for this variant (Variation ID: 821297). Invitae Evidence Modeling of protein sequence and biophysical properties (such as structural, functional, and spatial information, amino acid conservation, physicochemical variation, residue mobility, and thermodynamic stability) indicates that this missense variant is not expected to disrupt APC protein function with a negative predictive value of 95%. In summary, the available evidence is currently insufficient to determine the role of this variant in disease. Therefore, it has been classified as a Variant of Uncertain Significance.

Ambry Genetics
Classification: Uncertain significance for Hereditary cancer-predisposing syndrome. Last evaluated: 2024-05-27. Review status: criteria provided, single submitter. Criteria: Ambry Variant Classification Scheme 2023. Collection method: clinical testing. Allele origin: germline.
Comment: The p.G817S variant (also known as c.2449G>A), located in coding exon 15 of the APC gene, results from a G to A substitution at nucleotide position 2449. The glycine at codon 817 is replaced by serine, an amino acid with similar properties. This amino acid position is well conserved in available vertebrate species. In addition, in silico predictors for this gene do not accurately predict pathogenicity. Since supporting evidence is limited at this time, the clinical significance of this alteration remains unclear.

Women's Health and Genetics/Laboratory Corporation of America, LabCorp
Classification: Uncertain significance. Last evaluated: 2020-01-27. Review status: criteria provided, single submitter. Criteria: LabCorp Variant Classification Summary - May 2015. Collection method: clinical testing. Allele origin: germline.
Comment: Variant summary: APC c.2449G>A (p.Gly817Ser) results in a non-conservative amino acid change in the encoded protein sequence. Three of five in-silico tools predict a damaging effect of the variant on protein function. The variant was absent in 250874 control chromosomes (gnomAD). The available data on variant occurrences in the general population are insufficient to allow any conclusion about variant significance. To our knowledge, no occurrence of c.2449G>A in individuals affected with Familial Adenomatous Polyposis and no experimental evidence demonstrating its impact on protein function have been reported. No clinical diagnostic laboratories have submitted clinical-significance assessments for this variant to ClinVar after 2014. Based on the evidence outlined above, the variant was classified as uncertain significance.